The following is an entry in ClinVar:

NM_152564.5(VPS13B):c.4042+9T>C

Gene: VPS13B (vacuolar protein sorting 13 homolog B; plus strand). Cytogenetic location: 8q22.2.
Variant type: single nucleotide variant.
Coding change: c.4042+9T>C on transcript NM_152564.5 (MANE Select); 9 bases into the intron after coding-DNA position 4042, T replaced by C.
Molecular consequence: intron variant.
Genome position (GRCh38, 1-based): chr8:99,501,867, T>C. VCF-style: chr8-99501867-T-C. GRCh37 (hg19) VCF-style: chr8-100514095-T-C.
Other names: c.4042+9T>C (NM_017890.5, NM_152564.4).
Identifiers: ClinVar variation 4063213 (VCV004063213.2).

ClinVar aggregate classification (germline): Likely benign. Review status: criteria provided, single submitter (1 of 4 stars). 2 submissions from 2 submitters: Likely benign (1). 1 of the submissions does not count toward it. Last evaluated 2025-09-24.

Conditions:
VPS13B-related disorder. Also called: VPS13B-related condition.
Cohen syndrome (COH1). Also called: PEPPER SYNDROME; Cutis verticis gyrata, retinitis pigmentosa, and sensorineural deafness. Identifiers: Orphanet 193, MedGen C0265223, MONDO:0008999, OMIM 216550.

gnomAD v4.1: 1 of 1,612,286 alleles (0.000062%); highest among the groups gnomAD compares: African/African-American, 0.0013%; no homozygotes.

Submissions (2):

PreventionGenetics, part of Exact Sciences
Classification: Likely benign for VPS13B-related condition. Last evaluated: 2025-09-24. Review status: criteria provided, single submitter. Criteria: ACMG Guidelines, 2015. Collection method: clinical testing. Allele origin: germline.
Comment: This variant is classified as likely benign based on ACMG/AMP sequence variant interpretation guidelines (Richards et al. 2015 PMID: 25741868, with internal and published modifications).

Natera, Inc.
Classification: Uncertain significance for Cohen syndrome. Last evaluated: 2025-02-25. Review status: no assertion criteria provided. Collection method: clinical testing. Allele origin: germline. Not counted in ClinVar's aggregate classification.